The following is an entry in ClinVar:

ClinVar aggregate classification (germline): Uncertain significance (1 of 4 stars; one submission).

Submission:

Labcorp Genetics (formerly Invitae), Labcorp
Classification: Uncertain significance. Last evaluated: 2025-06-13. Review status: criteria provided, single submitter. Criteria: Invitae Variant Classification Sherloc (09022015). Collection method: clinical testing. Allele origin: germline.
Comment: This sequence change replaces glycine, which is neutral and non-polar, with arginine, which is basic and polar, at codon 4542 of the KMT2C protein (p.Gly4542Arg). This variant is not present in population databases (gnomAD no frequency). This variant has not been reported in the literature in individuals affected with KMT2C-related conditions. An algorithm developed to predict the effect of missense changes on protein structure and function (PolyPhen-2) suggests that this variant is likely to be disruptive. In summary, the available evidence is currently insufficient to determine the role of this variant in disease. Therefore, it has been classified as a Variant of Uncertain Significance.

NM_170606.3(KMT2C):c.13624G>A (p.Gly4542Arg)

Gene: KMT2C (lysine methyltransferase 2C; minus strand). Cytogenetic location: 7q36.1.
Variant type: single nucleotide variant.
Coding change: c.13624G>A on transcript NM_170606.3 (MANE Select); coding-DNA position 13624, G replaced by A.
Protein change: p.Gly4542Arg; replaces glycine 4542 with arginine.
Molecular consequence: missense variant.
Genome position (GRCh38, 1-based): chr7:152,148,303, C>T on the plus strand (G>A on the coding strand, the complement: KMT2C is on the minus strand). VCF-style: chr7-152148303-C-T. GRCh37 (hg19) VCF-style: chr7-151845388-C-T.
Other names: short protein forms G4542R.
Identifiers: ClinVar variation 4745650 (VCV004745650.1).
Genomic context (GRCh38, chr7:152,148,303, plus strand): 5'-GCAGCTGACCAATTGTGTGGAAGATGAGGCTACCCACGCGAAAGGTATGGTCCCGTTCTC[C>T]TCGTTGCACGATGCTAGCAATCTGTCGCACCTCATCACGCTGAACATAGACCCTCCTGAA-3'
Protein context (NP_733751.2, residues 4532-4552): VRQIASIVQR[Gly4542Arg]ERDHTFRVGS